The following is an entry in ClinVar:

NM_001048174.2(MUTYH):c.1426A>G (p.Thr476Ala)

Gene: MUTYH (mutY DNA glycosylase; minus strand). Cytogenetic location: 1p34.1.
Variant type: single nucleotide variant.
Coding change: c.1426A>G on transcript NM_001048174.2 (MANE Select); coding-DNA position 1426, A replaced by G.
Protein change: p.Thr476Ala; replaces threonine 476 with alanine.
Molecular consequence: missense variant. On other transcripts: non-coding transcript variant (7).
Genome position (GRCh38, 1-based): chr1:45,330,524, T>C on the plus strand (A>G on the coding strand, the complement: MUTYH is on the minus strand). VCF-style: chr1-45330524-T-C. GRCh37 (hg19) VCF-style: chr1-45796196-T-C.
Other names: c.1426A>G, p.Thr476Ala (NM_001048171.2, NM_001048173.2, NM_001293195.2 and 6 more transcripts); c.1429A>G, p.Thr477Ala (NM_001048172.2, NM_001407071.1, NM_001407078.1 and 1 more transcripts); c.1510A>G, p.Thr504Ala (NM_001128425.2); c.1471A>G, p.Thr491Ala (NM_001293190.2); c.1459A>G, p.Thr487Ala (NM_001293191.2, NM_001407069.1, NM_001407077.1); c.1150A>G, p.Thr384Ala (NM_001293192.2, NM_001293196.2, NM_001407091.1); c.1081A>G, p.Thr361Ala (NM_001350650.2, NM_001350651.2, NM_001407082.1); c.1342A>G, p.Thr448Ala (NM_001407075.1); and 5 more; short protein forms T384A, T477A, T483A, T448A, T476A, T462A, T487A, T490A.
Identifiers: ClinVar variation 4112816 (VCV004112816.1).

ClinVar aggregate classification (germline): Uncertain significance (1 of 4 stars; one submission).

Conditions:
Hereditary cancer-predisposing syndrome. Also called: Tumor predisposition; Neoplastic Syndromes, Hereditary; Hereditary neoplastic syndrome; Hereditary Cancer Syndrome. Identifiers: Orphanet 140162, MedGen C0027672, MeSH D009386, MONDO:0015356.

Submission:

Ambry Genetics
Classification: Uncertain significance for Hereditary cancer-predisposing syndrome. Last evaluated: 2025-08-27. Review status: criteria provided, single submitter. Criteria: Ambry Variant Classification Scheme 2023. Collection method: clinical testing. Allele origin: germline.
Comment: The p.T504A variant (also known as c.1510A>G), located in coding exon 15 of the MUTYH gene, results from an A to G substitution at nucleotide position 1510. The threonine at codon 504 is replaced by alanine, an amino acid with similar properties. This amino acid position is conserved. In addition, this alteration is predicted to be tolerated by in silico analysis. Based on the available evidence, the clinical significance of this variant remains unclear.